The following is an entry in ClinVar:

ClinVar aggregate classification (germline): Uncertain significance (1 of 4 stars; one submission).

Allele frequency attached by ClinVar (database versions not stated): gnomAD 0.00002 and 0.00003; ExAC 0.00004; gnomAD exomes 0.00004 and 0.00005; TOPMed 0.00004; ESP Exome Variant Server 0.00008.
gnomAD v4.1: 63 of 1,610,340 alleles (0.0039%); highest among the groups gnomAD compares: Non-Finnish European, 0.0049%; no homozygotes.

Submission:

Labcorp Genetics (formerly Invitae), Labcorp
Classification: Uncertain significance. Last evaluated: 2022-07-15. Review status: criteria provided, single submitter. Criteria: Invitae Variant Classification Sherloc (09022015). Collection method: clinical testing. Allele origin: germline.
Comment: This sequence change replaces alanine, which is neutral and non-polar, with valine, which is neutral and non-polar, at codon 1226 of the SBF1 protein (p.Ala1226Val). This variant is present in population databases (rs372402880, gnomAD 0.01%). This variant has not been reported in the literature in individuals affected with SBF1-related conditions. ClinVar contains an entry for this variant (Variation ID: 1406524). Algorithms developed to predict the effect of missense changes on protein structure and function (SIFT, PolyPhen-2, Align-GVGD) all suggest that this variant is likely to be tolerated. Algorithms developed to predict the effect of sequence changes on RNA splicing suggest that this variant may create or strengthen a splice site. In summary, the available evidence is currently insufficient to determine the role of this variant in disease. Therefore, it has been classified as a Variant of Uncertain Significance.

NM_002972.4(SBF1):c.3677C>T (p.Ala1226Val)

Gene: SBF1 (SET binding factor 1; minus strand). Cytogenetic location: 22q13.33.
Variant type: single nucleotide variant.
Coding change: c.3677C>T on transcript NM_002972.4 (MANE Select); coding-DNA position 3677, C replaced by T.
Protein change: p.Ala1226Val; replaces alanine 1226 with valine.
Molecular consequence: missense variant.
Genome position (GRCh38, 1-based): chr22:50,459,481, G>A on the plus strand (C>T on the coding strand, the complement: SBF1 is on the minus strand). VCF-style: chr22-50459481-G-A. GRCh37 (hg19) VCF-style: chr22-50897910-G-A.
Other names: c.3680C>T, p.Ala1227Val (NM_001365819.1); short protein forms A1227V, A1226V.
Identifiers: ClinVar variation 1406524 (VCV001406524.6), dbSNP rs372402880, ClinGen allele CA10316625.